The following is an entry in ClinVar:

NM_052947.4(ALPK2):c.3528C>A (p.Pro1176=)

Gene: ALPK2 (alpha kinase 2; minus strand). Cytogenetic location: 18q21.31.
Variant type: single nucleotide variant.
Coding change: c.3528C>A on transcript NM_052947.4 (MANE Select); coding-DNA position 3528, C replaced by A.
Protein change: p.Pro1176=; no amino-acid change (proline 1176 retained).
Molecular consequence: synonymous variant.
Genome position (GRCh38, 1-based): chr18:58,536,659, G>T on the plus strand (C>A on the coding strand, the complement: ALPK2 is on the minus strand). VCF-style: chr18-58536659-G-T. GRCh37 (hg19) VCF-style: chr18-56203891-G-T.
Identifiers: ClinVar variation 3060521 (VCV003060521.2), dbSNP rs3809978, ClinGen allele CA8976883.

ClinVar aggregate classification (germline): Benign (0 of 4 stars; one submission).

Conditions:
ALPK2-related disorder. Also called: ALPK2-related condition.

Allele frequency attached by ClinVar (database versions not stated): 1000 Genomes Project 30x 0.66708; 1000 Genomes Project 0.67173; TOPMed 0.68070; ESP Exome Variant Server 0.68292; ExAC 0.74576; gnomAD exomes 0.76903.
gnomAD v4.1: 1,228,574 of 1,613,316 alleles (76%); highest among the groups gnomAD compares: East Asian, 81%; 471,523 homozygotes.

Submission:

PreventionGenetics, part of Exact Sciences
Classification: Benign for ALPK2-related condition. Last evaluated: 2019-10-17. Review status: no assertion criteria provided. Collection method: clinical testing. Allele origin: germline.
Comment: This variant is classified as benign based on ACMG/AMP sequence variant interpretation guidelines (Richards et al. 2015 PMID: 25741868, with internal and published modifications).